The following is an entry in ClinVar:

NM_002109.6(HARS1):c.1312-8C>T

Gene: HARS1 (histidyl-tRNA synthetase 1; minus strand). Cytogenetic location: 5q31.3.
Variant type: single nucleotide variant.
Coding change: c.1312-8C>T on transcript NM_002109.6 (MANE Select); 8 bases into the intron before coding-DNA position 1312, C replaced by T.
Molecular consequence: intron variant.
Genome position (GRCh38, 1-based): chr5:140,674,833, G>A on the plus strand (C>T on the coding strand, the complement: HARS1 is on the minus strand). VCF-style: chr5-140674833-G-A. GRCh37 (hg19) VCF-style: chr5-140054418-G-A.
Other names: c.1225-8C>T (NM_001289094.2); c.970-8C>T (NM_001289093.2); c.1132-8C>T (NM_001258042.3); c.1192-8C>T (NM_001258040.3); c.1090-8C>T (NM_001289092.2); c.1252-8C>T (NM_001258041.3).
Identifiers: ClinVar variation 227423 (VCV000227423.20), dbSNP rs772505507, ClinGen allele CA3443842.

ClinVar aggregate classification (germline): Likely benign. Review status: criteria provided, multiple submitters, no conflicts (2 of 4 stars). 4 submissions from 4 submitters: Likely benign (4). Last evaluated 2026-05-27.

Conditions:
HARS1-related disorder. Also called: HARS1-related condition.
Usher syndrome type 3B. Also called: USHER SYNDROME, TYPE IIIB. Identifiers: MedGen C3281066, MONDO:0013788, OMIM 614504.

Allele frequency attached by ClinVar (database versions not stated): gnomAD exomes 0.00004 and 0.00009; gnomAD 0.00005 and 0.00006; ExAC 0.00006; TOPMed 0.00009.
gnomAD v4.1: 73 of 1,613,934 alleles (0.0045%); highest among the groups gnomAD compares: Admixed American, 0.01%; no homozygotes.

Submissions (4):

PreventionGenetics, part of Exact Sciences
Classification: Likely benign for HARS1-related condition. Last evaluated: 2026-05-27. Review status: criteria provided, single submitter. Criteria: ACMG Guidelines, 2015. Collection method: clinical testing. Allele origin: germline.
Comment: This variant is classified as likely benign based on ACMG/AMP sequence variant interpretation guidelines (Richards et al. 2015 PMID: 25741868, with internal and published modifications).

Labcorp Genetics (formerly Invitae), Labcorp
Classification: Likely benign for Usher syndrome type 3B. Last evaluated: 2025-12-17. Review status: criteria provided, single submitter. Criteria: Invitae Variant Classification Sherloc (09022015). Collection method: clinical testing. Allele origin: germline.

GeneDx
Classification: Likely benign. Last evaluated: 2021-05-01. Review status: criteria provided, single submitter. Criteria: GeneDx Variant Classification Process June 2021. Collection method: clinical testing. Allele origin: germline. Affected: yes.

Laboratory for Molecular Medicine, Mass General Brigham Personalized Medicine
Classification: Likely benign. Last evaluated: 2015-04-14. Review status: criteria provided, single submitter. Criteria: LMM Criteria. Collection method: clinical testing. Allele origin: germline. Observed: 1 variant allele.
Comment: c.1312-8C>T in intron 11 of HARS: This variant is not expected to have clinical significance because a C>T change at this position does not diverge from the spl ice consensus sequence and is therefore unlikely to impact splicing. It has been identified in 5/66712 European chromosomes by the Exome Aggregation Consortium (ExAC).